The following is an entry in ClinVar:

ClinVar aggregate classification (germline): Uncertain significance (1 of 4 stars; one submission).

gnomAD v4.1: 9 of 1,612,308 alleles (0.00056%); highest among the groups gnomAD compares: Non-Finnish European, 0.00076%; no homozygotes.

Submission:

GeneDx
Classification: Uncertain significance. Last evaluated: 2023-05-10. Review status: criteria provided, single submitter. Criteria: GeneDx Variant Classification Process June 2021. Collection method: clinical testing. Allele origin: germline. Affected: yes.
Comment: Not observed at significant frequency in large population cohorts (gnomAD); In silico analysis supports that this missense variant does not alter protein structure/function; Has not been previously published as pathogenic or benign to our knowledge

NM_145886.4(PIDD1):c.2140G>A (p.Ala714Thr)

Gene: PIDD1 (p53-induced death domain protein 1; minus strand). Cytogenetic location: 11p15.5.
Variant type: single nucleotide variant.
Coding change: c.2140G>A on transcript NM_145886.4 (MANE Select); coding-DNA position 2140, G replaced by A.
Protein change: p.Ala714Thr; replaces alanine 714 with threonine.
Molecular consequence: missense variant. On other transcripts: intron variant (1).
Genome position (GRCh38, 1-based): chr11:800,353, C>T on the plus strand (G>A on the coding strand, the complement: PIDD1 is on the minus strand). VCF-style: chr11-800353-C-T. GRCh37 (hg19) VCF-style: chr11-800353-C-T.
Other names: c.2109+31G>A (NM_145887.4); short protein forms A714T.
Identifiers: ClinVar variation 3343304 (VCV003343304.1).